The following is an entry in ClinVar:

NM_207346.3(TSEN54):c.937A>T (p.Thr313Ser)

Gene: TSEN54 (tRNA splicing endonuclease subunit 54; plus strand). Cytogenetic location: 17q25.1.
Variant type: single nucleotide variant.
Coding change: c.937A>T on transcript NM_207346.3 (MANE Select); coding-DNA position 937, A replaced by T.
Protein change: p.Thr313Ser; replaces threonine 313 with serine.
Molecular consequence: missense variant.
Genome position (GRCh38, 1-based): chr17:75,522,018, A>T. VCF-style: chr17-75522018-A-T. GRCh37 (hg19) VCF-style: chr17-73518099-A-T.
Other names: short protein forms T313S.
Identifiers: ClinVar variation 2182507 (VCV002182507.4), dbSNP rs1568003413, ClinGen allele CA401029503.

ClinVar aggregate classification (germline): Uncertain significance (1 of 4 stars; one submission).

Allele frequency attached by ClinVar (database versions not stated): gnomAD exomes below 0.00001; gnomAD 0.00001.
gnomAD v4.1: 4 of 1,596,430 alleles (0.00025%); highest among the groups gnomAD compares: Admixed American, 0.0069%; no homozygotes.

Submission:

Labcorp Genetics (formerly Invitae), Labcorp
Classification: Uncertain significance. Last evaluated: 2025-09-15. Review status: criteria provided, single submitter. Criteria: Invitae Variant Classification Sherloc (09022015). Collection method: clinical testing. Allele origin: germline.
Comment: This sequence change replaces threonine, which is neutral and polar, with serine, which is neutral and polar, at codon 313 of the TSEN54 protein (p.Thr313Ser). This variant is present in population databases (no rsID available, gnomAD 0.006%). This variant has not been reported in the literature in individuals affected with TSEN54-related conditions. ClinVar contains an entry for this variant (Variation ID: 2182507). Invitae Evidence Modeling of protein sequence and biophysical properties (such as structural, functional, and spatial information, amino acid conservation, physicochemical variation, residue mobility, and thermodynamic stability) indicates that this missense variant is not expected to disrupt TSEN54 protein function with a negative predictive value of 95%. In summary, the available evidence is currently insufficient to determine the role of this variant in disease. Therefore, it has been classified as a Variant of Uncertain Significance.